The following is an entry in ClinVar:

ClinVar aggregate classification (germline): Likely benign (0 of 4 stars; one submission).

Conditions:
DISC1-related disorder. Also called: DISC1-related condition.

Allele frequency attached by ClinVar (database versions not stated): gnomAD exomes below 0.00001; TOPMed below 0.00001.

Submission:

PreventionGenetics, part of Exact Sciences
Classification: Likely benign for DISC1-related condition. Last evaluated: 2019-05-10. Review status: no assertion criteria provided. Collection method: clinical testing. Allele origin: germline.
Comment: This variant is classified as likely benign based on ACMG/AMP sequence variant interpretation guidelines (Richards et al. 2015 PMID: 25741868, with internal and published modifications).

NM_018662.3(DISC1):c.1634+13T>G

Genes: DISC1 (DISC1 scaffold protein; plus strand), TSNAX-DISC1 (TSNAX-DISC1 readthrough (NMD candidate); plus strand). Cytogenetic location: 1q42.2.
Variant type: single nucleotide variant.
Coding change: c.1634+13T>G on transcript NM_018662.3 (MANE Select); 13 bases into the intron after coding-DNA position 1634, T replaced by G.
Molecular consequence: intron variant. On other transcripts: 3 prime UTR variant (1).
Genome position (GRCh38, 1-based): chr1:231,771,083, T>G. VCF-style: chr1-231771083-T-G. GRCh37 (hg19) VCF-style: chr1-231906829-T-G.
Other names: c.*3T>G (NM_001164549.2); c.1730+13T>G (NM_001164537.2); c.1634+13T>G (NM_001012957.2, NM_001164538.2, NM_001164541.2 and 8 more transcripts); c.1268+21007T>G (NM_001164540.2); c.584+13T>G (NM_001164556.2).
Identifiers: ClinVar variation 3041932 (VCV003041932.2), dbSNP rs774137161, ClinGen allele CA1453958.
Genomic context (GRCh38, chr1:231,771,083, plus strand): 5'-AGCCGGTCAGATTCCCTTCCATGCAGAGCCACCGGAAACCATAAGGAGGTACTGCTGATT[T>G]CCTAACTGATTTTGGGTCGCTCGCCTCTTTGACCTGTTCATTGGAATGATTTTGTCTGCT-3'